The following is an entry in ClinVar:

ClinVar aggregate classification (germline): Likely benign (1 of 4 stars; one submission).

Allele frequency attached by ClinVar (database versions not stated): ExAC 0.00002; gnomAD exomes 0.00002; TOPMed 0.00002.
gnomAD v4.1: 13 of 1,614,198 alleles (0.00081%); highest among the groups gnomAD compares: Admixed American, 0.005%; no homozygotes.

Submission:

CeGaT Center for Human Genetics Tuebingen
Classification: Likely benign. Last evaluated: 2023-01-01. Review status: criteria provided, single submitter. Criteria: CeGaT Center For Human Genetics Tuebingen Variant Classification Criteria Version 2. Collection method: clinical testing. Allele origin: germline. Affected: yes. Observed: 1 variant allele.
Comment: PLA2G4D: BP4, BP7

NM_178034.4(PLA2G4D):c.1023C>T (p.His341=)

Gene: PLA2G4D (phospholipase A2 group IVD; minus strand). Cytogenetic location: 15q15.1.
Variant type: single nucleotide variant.
Coding change: c.1023C>T on transcript NM_178034.4 (MANE Select); coding-DNA position 1023, C replaced by T.
Protein change: p.His341=; no amino-acid change (histidine 341 retained).
Molecular consequence: synonymous variant.
Genome position (GRCh38, 1-based): chr15:42,081,068, G>A on the plus strand (C>T on the coding strand, the complement: PLA2G4D is on the minus strand). VCF-style: chr15-42081068-G-A. GRCh37 (hg19) VCF-style: chr15-42373266-G-A.
Identifiers: ClinVar variation 2645233 (VCV002645233.24), dbSNP rs779650066, ClinGen allele CA7506526.